The following is an entry in ClinVar:

ClinVar aggregate classification (germline): Uncertain significance. Review status: criteria provided, multiple submitters, no conflicts (2 of 4 stars). 2 submissions from 2 submitters: Uncertain significance (2). Last evaluated 2024-08-21.

Allele frequency attached by ClinVar (database versions not stated): gnomAD 0.00005; gnomAD exomes 0.00005 and 0.00007; TOPMed 0.00005; ExAC 0.00006; ESP Exome Variant Server 0.00008.
gnomAD v4.1: 112 of 1,614,046 alleles (0.0069%); highest among the groups gnomAD compares: African/African-American, 0.0093%; no homozygotes.

Submissions (2):

Blueprint Genetics
Classification: Uncertain significance. Last evaluated: 2024-08-21. Review status: criteria provided, single submitter. Criteria: ACMG Guidelines, 2015. Collection method: clinical testing. Allele origin: germline.

Labcorp Genetics (formerly Invitae), Labcorp
Classification: Uncertain significance. Last evaluated: 2022-03-14. Review status: criteria provided, single submitter. Criteria: Invitae Variant Classification Sherloc (09022015). Collection method: clinical testing. Allele origin: germline.
Comment: This sequence change replaces glutamic acid, which is acidic and polar, with lysine, which is basic and polar, at codon 413 of the CDH3 protein (p.Glu413Lys). This variant is present in population databases (rs369109043, gnomAD 0.01%). This variant has not been reported in the literature in individuals affected with CDH3-related conditions. ClinVar contains an entry for this variant (Variation ID: 1005155). Algorithms developed to predict the effect of missense changes on protein structure and function are either unavailable or do not agree on the potential impact of this missense change (SIFT: "Not Available"; PolyPhen-2: "Possibly Damaging"; Align-GVGD: "Not Available"). In summary, the available evidence is currently insufficient to determine the role of this variant in disease. Therefore, it has been classified as a Variant of Uncertain Significance.

NM_001793.6(CDH3):c.1237G>A (p.Glu413Lys)

Gene: CDH3 (cadherin 3; plus strand). Cytogenetic location: 16q22.1.
Variant type: single nucleotide variant.
Coding change: c.1237G>A on transcript NM_001793.6 (MANE Select); coding-DNA position 1237, G replaced by A.
Protein change: p.Glu413Lys; replaces glutamic acid 413 with lysine.
Molecular consequence: missense variant.
Genome position (GRCh38, 1-based): chr16:68,684,637, G>A. VCF-style: chr16-68684637-G-A. GRCh37 (hg19) VCF-style: chr16-68718540-G-A.
Other names: c.1237G>A, p.Glu413Lys (NM_001317195.3); c.1072G>A, p.Glu358Lys (NM_001317196.2); short protein forms E358K, E413K.
Identifiers: ClinVar variation 1005155 (VCV001005155.7), dbSNP rs369109043, ClinGen allele CA8129305.